The following is an entry in ClinVar:

ClinVar aggregate classification (germline): Uncertain significance. Review status: criteria provided, multiple submitters, no conflicts (2 of 4 stars). 2 submissions from 2 submitters: Uncertain significance (2). Last evaluated 2025-11-23.

Conditions:
Brachyolmia-amelogenesis imperfecta syndrome. Also called: PLATYSPONDYLY WITH AMELOGENESIS IMPERFECTA; Tooth agenesis, selective, 6; Dental anomalies and short stature. Identifiers: Orphanet 2899, MedGen C1832594, MONDO:0011018, OMIM 601216. Disease mechanism: loss of function.
Inborn genetic diseases. Identifiers: MedGen C0950123, MeSH D030342.

Allele frequency attached by ClinVar (database versions not stated): gnomAD 0.00003; TOPMed 0.00003.
gnomAD v4.1: 10 of 1,271,824 alleles (0.00079%); highest among the groups gnomAD compares: South Asian, 0.0064%; no homozygotes.

Submissions (2):

Labcorp Genetics (formerly Invitae), Labcorp
Classification: Uncertain significance for Brachyolmia-amelogenesis imperfecta syndrome. Last evaluated: 2025-11-23. Review status: criteria provided, single submitter. Criteria: Invitae Variant Classification Sherloc (09022015). Collection method: clinical testing. Allele origin: germline.
Comment: This sequence change replaces alanine, which is neutral and non-polar, with threonine, which is neutral and polar, at codon 20 of the LTBP3 protein (p.Ala20Thr). This variant is present in population databases (no rsID available, gnomAD 0.01%). This variant has not been reported in the literature in individuals affected with LTBP3-related conditions. ClinVar contains an entry for this variant (Variation ID: 1750388). Experimental studies and prediction algorithms are not available or were not evaluated, and the functional significance of this variant is currently unknown. In summary, the available evidence is currently insufficient to determine the role of this variant in disease. Therefore, it has been classified as a Variant of Uncertain Significance.

Ambry Genetics
Classification: Uncertain significance for Inborn genetic diseases. Last evaluated: 2025-10-08. Review status: criteria provided, single submitter. Criteria: Ambry Variant Classification Scheme 2023. Collection method: clinical testing. Allele origin: germline.

NM_001130144.3(LTBP3):c.58G>A (p.Ala20Thr)

Gene: LTBP3 (latent transforming growth factor beta binding protein 3; minus strand). Cytogenetic location: 11q13.1.
Variant type: single nucleotide variant.
Coding change: c.58G>A on transcript NM_001130144.3 (MANE Select); coding-DNA position 58, G replaced by A.
Protein change: p.Ala20Thr; replaces alanine 20 with threonine.
Molecular consequence: missense variant. On other transcripts: 5 prime UTR variant (1).
Genome position (GRCh38, 1-based): chr11:65,557,902, C>T on the plus strand (G>A on the coding strand, the complement: LTBP3 is on the minus strand). VCF-style: chr11-65557902-C-T. GRCh37 (hg19) VCF-style: chr11-65325373-C-T.
Other names: c.-290G>A (NM_001164266.1); c.58G>A, p.Ala20Thr (NM_021070.4); short protein forms A20T.
Identifiers: ClinVar variation 1750388 (VCV001750388.5), dbSNP rs982131627, ClinGen allele CA223971582.